The following is an entry in ClinVar:

ClinVar aggregate classification (germline): Uncertain significance. Review status: criteria provided, single submitter (1 of 4 stars). 2 submissions from 2 submitters: Uncertain significance (1). 1 of the submissions does not count toward it. Last evaluated 2021-08-24.

Conditions:
MHC class II deficiency. Also called: Bare lymphocyte syndrome 2; BLS, TYPE II. Identifiers: Orphanet 572, MedGen C5447452, MONDO:0008855.

Submissions (2):

Labcorp Genetics (formerly Invitae), Labcorp
Classification: Uncertain significance for MHC class II deficiency. Last evaluated: 2021-08-24. Review status: criteria provided, single submitter. Criteria: Invitae Variant Classification Sherloc (09022015). Collection method: clinical testing. Allele origin: germline.
Comment: This sequence change replaces alanine with threonine at codon 574 of the CIITA protein (p.Ala574Thr). The alanine residue is moderately conserved and there is a small physicochemical difference between alanine and threonine. This variant is not present in population databases (ExAC no frequency). This variant has not been reported in the literature in individuals affected with CIITA-related conditions. Algorithms developed to predict the effect of missense changes on protein structure and function (SIFT, PolyPhen-2, Align-GVGD) all suggest that this variant is likely to be tolerated. In summary, the available evidence is currently insufficient to determine the role of this variant in disease. Therefore, it has been classified as a Variant of Uncertain Significance.

Natera, Inc.
Classification: Uncertain significance for Bare lymphocyte syndrome type II. Last evaluated: 2021-01-21. Review status: no assertion criteria provided. Collection method: clinical testing. Allele origin: germline. Not counted in ClinVar's aggregate classification.

NM_000246.4(CIITA):c.1720G>A (p.Ala574Thr)

Gene: CIITA (class II major histocompatibility complex transactivator; plus strand). Cytogenetic location: 16p13.13.
Variant type: single nucleotide variant.
Coding change: c.1720G>A on transcript NM_000246.4 (MANE Select); coding-DNA position 1720, G replaced by A.
Protein change: p.Ala574Thr; replaces alanine 574 with threonine.
Molecular consequence: missense variant. On other transcripts: intron variant (1).
Genome position (GRCh38, 1-based): chr16:10,907,212, G>A. VCF-style: chr16-10907212-G-A. GRCh37 (hg19) VCF-style: chr16-11001069-G-A.
Other names: c.1723G>A, p.Ala575Thr (NM_001286402.1, NM_001379332.1); c.1576G>A, p.Ala526Thr (NM_001379330.1); c.1573G>A, p.Ala525Thr (NM_001379331.1); c.1720G>A, p.Ala574Thr (NM_001379333.1); c.1651G>A, p.Ala551Thr (NM_001379334.1); c.860-1771G>A (NM_001286403.2); short protein forms A575T, A574T, A525T, A526T, A551T.
Identifiers: ClinVar variation 642615 (VCV000642615.7), dbSNP rs148543906, ClinGen allele CA394731587.
Genomic context (GRCh38, chr16:10,907,212, plus strand): 5'-GTCCAGAGCCTGAGCAAGGCCGACGCCCTATTTGAGCTGTCCGGCTTCTCCATGGAGCAG[G>A]CCCAGGCATACGTGATGCGCTACTTTGAGAGCTCAGGGATGACAGAGCACCAAGACAGAG-3'
Protein context (NP_000237.2, residues 564-584): FELSGFSMEQ[Ala574Thr]QAYVMRYFES